The following is an entry in ClinVar:

NM_004415.4(DSP):c.573_576del (p.Cys191fs)

Gene: DSP (desmoplakin; plus strand). Cytogenetic location: 6p24.3.
Variant type: Deletion.
Coding change: c.573_576del on transcript NM_004415.4 (MANE Select); coding-DNA positions 573 to 576, 4 bases deleted (TTTG; older notation c.573_576delTTTG).
Protein change: p.Cys191fs; shifts the reading frame from cysteine 191.
Molecular consequence: frameshift variant.
Genome position (GRCh38, 1-based): chr6:7,559,376-7,559,379, TTTG deleted; deleting any 4 consecutive bases within chr6:7,559,374-7,559,379 gives the same sequence; the c. name uses the placement nearest the transcript's 3' end. VCF-style (leftmost placement, unchanged base first): chr6-7559373-ATGTT-A. GRCh37 (hg19) VCF-style: chr6-7559606-ATGTT-A.
Other names: c.573_576del, p.Cys191fs (NM_001008844.3, NM_001319034.2, NM_001406591.1); short protein forms C191fs.
Identifiers: ClinVar variation 2945865 (VCV002945865.5), dbSNP rs2533853985, ClinGen allele CA2573320544.

ClinVar aggregate classification (germline): Pathogenic. Review status: criteria provided, multiple submitters, no conflicts (2 of 4 stars). 3 submissions from 3 submitters: Pathogenic (3). Last evaluated 2024-03-07.

Conditions:
Arrhythmogenic cardiomyopathy with wooly hair and keratoderma. Also called: Dilated cardiomyopathy with woolly hair and keratoderma; PALMOPLANTAR KERATODERMA WITH LEFT VENTRICULAR CARDIOMYOPATHY AND WOOLLY HAIR; Carvajal syndrome; Arrhythmogenic cardiomyopathy with woolly hair and keratoderma. Identifiers: Orphanet 65282, MedGen C1854063, MONDO:0011581, OMIM 605676.
Arrhythmogenic right ventricular dysplasia 8 (ARVD8). Also called: Arrhythmogenic Right Ventricular Dysplasia/Cardiomyopathy 8; ARRHYTHMOGENIC RIGHT VENTRICULAR DYSPLASIA, FAMILIAL, 8; ARRHYTHMOGENIC RIGHT VENTRICULAR CARDIOMYOPATHY 8. Identifiers: MedGen C1843896, MONDO:0011831, OMIM 607450.
Cardiovascular phenotype. Identifiers: MedGen CN230736.
Primary dilated cardiomyopathy (DCM). Also called: Dilated Cardiomyopathy. Identifiers: Orphanet 217604, MedGen C0007193, MeSH D002311, MONDO:0005021, HP:0001644. Inheritance: Various modes of inheritance.

Submissions (3):

Ambry Genetics
Classification: Pathogenic for Cardiovascular phenotype. Last evaluated: 2024-03-07. Review status: criteria provided, single submitter. Criteria: Ambry Variant Classification Scheme 2023. Collection method: clinical testing. Allele origin: germline.
Comment: The c.573_576delTTTG pathogenic mutation, located in coding exon 4 of the DSP gene, results from a deletion of 4 nucleotides at nucleotide positions 573 to 576, causing a translational frameshift with a predicted alternate stop codon (p.C191Wfs*4). Alterations in DSP that result in haploinsufficiency or protein truncation have been reported in patients with arrhythmogenic right ventricular cardiomyopathy (ARVC) and dilated cardiomyopathy (DCM) (Fressart V et al. Europace. 2010;12(6):861-8; Elliott P et al. Circ Cardiovasc Genet. 2010;3(4):314-22; Quarta G et al. Circulation. 2011;123(23):2701-9; Garcia-Pavia P et al. Heart. 2011;97(21):1744-52; Rasmussen TB et al. Clin Genet. 2013;84(1):20-30; Pugh TJ et al. Genet Med. 2014;16(8):601-8). This alteration is expected to result in loss of function by premature protein truncation or nonsense-mediated mRNA decay. This variant is also considered to be rare based on population cohorts in the Genome Aggregation Database (gnomAD). As such, this alteration is interpreted as a disease-causing mutation.

Labcorp Genetics (formerly Invitae), Labcorp
Classification: Pathogenic for Arrhythmogenic cardiomyopathy with wooly hair and keratoderma; Arrhythmogenic right ventricular dysplasia 8. Last evaluated: 2024-02-05. Review status: criteria provided, single submitter. Criteria: Invitae Variant Classification Sherloc (09022015). Collection method: clinical testing. Allele origin: germline.
Comment: This sequence change creates a premature translational stop signal (p.Cys191Trpfs*4) in the DSP gene. It is expected to result in an absent or disrupted protein product. Loss-of-function variants in DSP are known to be pathogenic (PMID: 20716751, 24503780, 25227139). This variant is not present in population databases (gnomAD no frequency). This variant has not been reported in the literature in individuals affected with DSP-related conditions. For these reasons, this variant has been classified as Pathogenic.

Victorian Clinical Genetics Services, Murdoch Childrens Research Institute
Classification: Pathogenic for Primary dilated cardiomyopathy. Last evaluated: 2022-09-02. Review status: criteria provided, single submitter. Criteria: ACMG Guidelines, 2015. Collection method: clinical testing. Allele origin: germline. Inheritance: Autosomal dominant inheritance. Affected: yes.
Comment: Based on the classification scheme VCGS_Germline_v1.3.4, this variant is classified as Pathogenic. Following criteria are met: 0102 - Loss of function is a known mechanism of disease in this gene and is associated with ARVD (MIM#607450) and other DSP-related cardiac disorders. (I) 0108 - This gene is associated with both recessive and dominant disease. Variants in this gene are usually inherited in a dominant manner, however rare reports of recessive inheritance have resulted in a more severe cardiac phenotype (OMIM). (I) 0115 - Variants in this gene are known to have variable expressivity. Age-dependent penetrance and variable expressivity are well-described aspects of arrhythmogenic cardiomyopathy (PMID: 29062697). (I) 0201 - Variant is predicted to cause nonsense-mediated decay (NMD) and loss of protein (premature termination codon is located at least 54 nucleotides upstream of the final exon-exon junction). (SP) 0251 - This variant is heterozygous. (I) 0301 - Variant is absent from gnomAD (both v2 and v3). (SP) 0701 - Other variants predicted to result in NMD comparable to the one identified in this case have very strong previous evidence for pathogenicity (DECIPHER). (SP) 0807 - This variant has no previous evidence of pathogenicity. (I) 0905 - No published segregation evidence has been identified for this variant. (I) 1007 - No published functional evidence has been identified for this variant. (I) 1208 - Inheritance information for this variant is not currently available in this individual. (I) Legend: (SP) - Supporting pathogenic, (I) - Information, (SB) - Supporting benign

Literature cited by the submitters: PubMed 20716751 (cited by Labcorp Genetics (formerly Invitae), Labcorp); PubMed 24503780 (cited by Labcorp Genetics (formerly Invitae), Labcorp); PubMed 25227139 (cited by Labcorp Genetics (formerly Invitae), Labcorp); PubMed 29062697 (cited by Victorian Clinical Genetics Services, Murdoch Childrens Research Institute).